The following is an entry in ClinVar:

ClinVar aggregate classification (germline): Uncertain significance (1 of 4 stars; one submission).

Submission:

GeneDx
Classification: Uncertain significance. Last evaluated: 2023-07-18. Review status: criteria provided, single submitter. Criteria: GeneDx Variant Classification Process June 2021. Collection method: clinical testing. Allele origin: germline. Affected: yes.
Comment: Not observed at significant frequency in large population cohorts (gnomAD); In silico analysis supports that this missense variant does not alter protein structure/function; Has not been previously published as pathogenic or benign to our knowledge

NM_001100913.3(PACS2):c.833A>G (p.His278Arg)

Gene: PACS2 (phosphofurin acidic cluster sorting protein 2; plus strand). Cytogenetic location: 14q32.33.
Variant type: single nucleotide variant.
Coding change: c.833A>G on transcript NM_001100913.3 (MANE Select); coding-DNA position 833, A replaced by G.
Protein change: p.His278Arg; replaces histidine 278 with arginine.
Molecular consequence: missense variant.
Genome position (GRCh38, 1-based): chr14:105,376,799, A>G. VCF-style: chr14-105376799-A-G. GRCh37 (hg19) VCF-style: chr14-105843136-A-G.
Other names: c.608A>G, p.His203Arg (NM_001243127.3); c.833A>G, p.His278Arg (NM_015197.4); short protein forms H203R, H278R.
Identifiers: ClinVar variation 3361102 (VCV003361102.1).